The following is an entry in ClinVar:

NM_000069.3(CACNA1S):c.1439T>A (p.Leu480Gln)

Gene: CACNA1S (calcium voltage-gated channel subunit alpha1 S; minus strand). Cytogenetic location: 1q32.1.
Variant type: single nucleotide variant.
Coding change: c.1439T>A on transcript NM_000069.3 (MANE Select); coding-DNA position 1439, T replaced by A.
Protein change: p.Leu480Gln; replaces leucine 480 with glutamine.
Molecular consequence: missense variant.
Genome position (GRCh38, 1-based): chr1:201,078,059, A>T on the plus strand (T>A on the coding strand, the complement: CACNA1S is on the minus strand). VCF-style: chr1-201078059-A-T. GRCh37 (hg19) VCF-style: chr1-201047187-A-T.
Other names: short protein forms L480Q.
Identifiers: ClinVar variation 1320370 (VCV001320370.19), dbSNP rs2102144367, ClinGen allele CA344122581.

ClinVar aggregate classification (germline): Uncertain significance. Review status: criteria provided, multiple submitters, no conflicts (2 of 4 stars). 3 submissions from 3 submitters: Uncertain significance (3). Last evaluated 2024-11-01.

Conditions:
Malignant hyperthermia, susceptibility to, 5 (MHS5). Also called: CACNA1S-Related Malignant Hyperthermia Susceptibility. Identifiers: Orphanet 423, MedGen C1866077, MONDO:0011163, OMIM 601887.
Hypokalemic periodic paralysis, type 1. Also called: Hypokalemic Periodic Paralysis Type 1 (AD); HypoPP. Identifiers: Orphanet 681, MedGen C3714580, MONDO:0042979, OMIM 170400.

Allele frequency attached by ClinVar (database versions not stated): gnomAD exomes below 0.00001.
gnomAD v4.1: 4 of 1,614,252 alleles (0.00025%); highest among the groups gnomAD compares: Non-Finnish European, 0.00034%; no homozygotes.

Submissions (3):

CeGaT Center for Human Genetics Tuebingen
Classification: Uncertain significance. Last evaluated: 2024-11-01. Review status: criteria provided, single submitter. Criteria: CeGaT Center For Human Genetics Tuebingen Variant Classification Criteria Version 2. Collection method: clinical testing. Allele origin: germline. Affected: yes. Observed: 1 variant allele.
Comment: CACNA1S: PM2

Labcorp Genetics (formerly Invitae), Labcorp
Classification: Uncertain significance for Hypokalemic periodic paralysis, type 1; Malignant hyperthermia, susceptibility to, 5. Last evaluated: 2023-05-08. Review status: criteria provided, single submitter. Criteria: Invitae Variant Classification Sherloc (09022015). Collection method: clinical testing. Allele origin: germline.
Comment: In summary, the available evidence is currently insufficient to determine the role of this variant in disease. Therefore, it has been classified as a Variant of Uncertain Significance. Algorithms developed to predict the effect of sequence changes on RNA splicing suggest that this variant may create or strengthen a splice site. Advanced modeling of protein sequence and biophysical properties (such as structural, functional, and spatial information, amino acid conservation, physicochemical variation, residue mobility, and thermodynamic stability) performed at Invitae indicates that this missense variant is not expected to disrupt CACNA1S protein function. ClinVar contains an entry for this variant (Variation ID: 1320370). This variant has not been reported in the literature in individuals affected with CACNA1S-related conditions. This variant is not present in population databases (gnomAD no frequency). This sequence change replaces leucine, which is neutral and non-polar, with glutamine, which is neutral and polar, at codon 480 of the CACNA1S protein (p.Leu480Gln).

GeneDx
Classification: Uncertain significance. Last evaluated: 2019-03-28. Review status: criteria provided, single submitter. Criteria: GeneDx Variant Classification Process June 2021. Collection method: clinical testing. Allele origin: germline. Affected: yes.
Comment: Has not been previously published as pathogenic or benign to our knowledge; Not observed in large population cohorts (Lek et al., 2016); In silico analysis, which includes protein predictors and evolutionary conservation, supports a deleterious effect